The following is an entry in ClinVar:

NM_002076.4(GNS):c.886C>G (p.Leu296Val)

Gene: GNS (glucosamine (N-acetyl)-6-sulfatase; minus strand). Cytogenetic location: 12q14.3.
Variant type: single nucleotide variant.
Coding change: c.886C>G on transcript NM_002076.4 (MANE Select); coding-DNA position 886, C replaced by G.
Protein change: p.Leu296Val; replaces leucine 296 with valine.
Molecular consequence: missense variant.
Genome position (GRCh38, 1-based): chr12:64,739,489, G>C on the plus strand (C>G on the coding strand, the complement: GNS is on the minus strand). VCF-style: chr12-64739489-G-C. GRCh37 (hg19) VCF-style: chr12-65133269-G-C.
Other names: c.886C>G (NM_002076.3); short protein forms L296V.
Identifiers: ClinVar variation 1502427 (VCV001502427.4), dbSNP rs755801592, ClinGen allele CA6669805.

ClinVar aggregate classification (germline): Uncertain significance. Review status: criteria provided, multiple submitters, no conflicts (2 of 4 stars). 2 submissions from 2 submitters: Uncertain significance (2). Last evaluated 2025-12-04.

Conditions:
Mucopolysaccharidosis, MPS-III-D (MPS3D). Also called: N-ACETYLGLUCOSAMINE-6-SULFATASE DEFICIENCY; SANFILIPPO SYNDROME D; MPS III D; Mucopoly-saccharidosis type 3D; N-acetylglucosamine-6-sulfate sulfatase deficiency; MPS 3D. Identifiers: Orphanet 581, Orphanet 79272, MedGen C0086650, MONDO:0009658, OMIM 252940.
Inborn genetic diseases. Identifiers: MedGen C0950123, MeSH D030342.

Allele frequency attached by ClinVar (database versions not stated): gnomAD exomes 0.00001 and 0.00004; TOPMed below 0.00001; ExAC 0.00003.
gnomAD v4.1: 12 of 1,562,478 alleles (0.00077%); highest among the groups gnomAD compares: Admixed American, 0.019%; no homozygotes.

Submissions (2):

Ambry Genetics
Classification: Uncertain significance for Inborn genetic diseases. Last evaluated: 2025-12-04. Review status: criteria provided, single submitter. Criteria: Ambry Variant Classification Scheme 2023. Collection method: clinical testing. Allele origin: germline.

Labcorp Genetics (formerly Invitae), Labcorp
Classification: Uncertain significance for Mucopolysaccharidosis, MPS-III-D. Last evaluated: 2022-08-20. Review status: criteria provided, single submitter. Criteria: Invitae Variant Classification Sherloc (09022015). Collection method: clinical testing. Allele origin: germline.
Comment: This sequence change replaces leucine, which is neutral and non-polar, with valine, which is neutral and non-polar, at codon 296 of the GNS protein (p.Leu296Val). This variant is present in population databases (rs755801592, gnomAD 0.03%). This variant has not been reported in the literature in individuals affected with GNS-related conditions. ClinVar contains an entry for this variant (Variation ID: 1502427). Algorithms developed to predict the effect of missense changes on protein structure and function (SIFT, PolyPhen-2, Align-GVGD) all suggest that this variant is likely to be disruptive. In summary, the available evidence is currently insufficient to determine the role of this variant in disease. Therefore, it has been classified as a Variant of Uncertain Significance.